The following is an entry in ClinVar:

ClinVar aggregate classification (germline): Uncertain significance. Review status: criteria provided, multiple submitters, no conflicts (2 of 4 stars). 2 submissions from 2 submitters: Uncertain significance (2). Last evaluated 2024-09-18.

Conditions:
Muscular dystrophy-dystroglycanopathy (congenital with brain and eye anomalies), type A2. Also called: MUSCULAR DYSTROPHY-DYSTROGLYCANOPATHY (CONGENITAL WITH BRAIN AND EYE ANOMALIES), TYPE A, 2; WALKER-WARBURG SYNDROME OR MUSCLE-EYE-BRAIN DISEASE, POMT2-RELATED. Identifiers: Orphanet 588, Orphanet 899, MedGen C3150411, MONDO:0013154, OMIM 613150.
Autosomal recessive limb-girdle muscular dystrophy type 2N. Also called: MUSCULAR DYSTROPHY-DYSTROGLYCANOPATHY, LIMB-GIRDLE, POMT2-RELATED; Muscular dystrophy-dystroglycanopathy (limb-girdle), type C, 2. Identifiers: Orphanet 206559, MedGen C3150418, MONDO:0013162, OMIM 613158.
Muscular dystrophy-dystroglycanopathy (congenital with impaired intellectual development), type B, 2. Also called: MUSCULAR DYSTROPHY, CONGENITAL, POMT2-RELATED; Muscular dystrophy-dystroglycanopathy (congenital with intellectual disability), type B2. Identifiers: MedGen C3150416, MONDO:0013160, OMIM 613156.

Allele frequency attached by ClinVar (database versions not stated): ExAC 0.00001; TOPMed 0.00002; 1000 Genomes Project 30x 0.00031; gnomAD 0.00001; gnomAD exomes 0.00001; 1000 Genomes Project 0.00020.
gnomAD v4.1: 10 of 1,613,744 alleles (0.00062%); highest among the groups gnomAD compares: Admixed American, 0.012%; no homozygotes.

Submissions (2):

Revvity Omics, Revvity
Classification: Uncertain significance. Last evaluated: 2024-09-18. Review status: criteria provided, single submitter. Criteria: ACMG Guidelines, 2015. Collection method: clinical testing. Allele origin: germline.

Labcorp Genetics (formerly Invitae), Labcorp
Classification: Uncertain significance for Muscular dystrophy-dystroglycanopathy (congenital with impaired intellectual development), type B, 2; Muscular dystrophy-dystroglycanopathy (congenital with brain and eye anomalies), type A2; Autosomal recessive limb-girdle muscular dystrophy type 2N. Last evaluated: 2022-08-06. Review status: criteria provided, single submitter. Criteria: Invitae Variant Classification Sherloc (09022015). Collection method: clinical testing. Allele origin: germline.
Comment: This sequence change replaces glutamic acid, which is acidic and polar, with lysine, which is basic and polar, at codon 510 of the POMT2 protein (p.Glu510Lys). This variant is present in population databases (rs186872560, gnomAD 0.009%). This variant has not been reported in the literature in individuals affected with POMT2-related conditions. ClinVar contains an entry for this variant (Variation ID: 1421612). Algorithms developed to predict the effect of missense changes on protein structure and function (SIFT, PolyPhen-2, Align-GVGD) all suggest that this variant is likely to be tolerated. In summary, the available evidence is currently insufficient to determine the role of this variant in disease. Therefore, it has been classified as a Variant of Uncertain Significance.

NM_013382.7(POMT2):c.1528G>A (p.Glu510Lys)

Gene: POMT2 (protein O-mannosyltransferase 2; minus strand). Cytogenetic location: 14q24.3.
Variant type: single nucleotide variant.
Coding change: c.1528G>A on transcript NM_013382.7 (MANE Select); coding-DNA position 1528, G replaced by A.
Protein change: p.Glu510Lys; replaces glutamic acid 510 with lysine.
Molecular consequence: missense variant.
Genome position (GRCh38, 1-based): chr14:77,284,998, C>T on the plus strand (G>A on the coding strand, the complement: POMT2 is on the minus strand). VCF-style: chr14-77284998-C-T. GRCh37 (hg19) VCF-style: chr14-77751341-C-T.
Other names: c.1528G>A (NM_013382.5); short protein forms E510K.
Identifiers: ClinVar variation 1421612 (VCV001421612.5), dbSNP rs186872560, ClinGen allele CA7285822.